The following is an entry in ClinVar:

NM_001377299.1(NDUFS2):c.337A>G (p.Ile113Val)

Gene: NDUFS2 (NADH:ubiquinone oxidoreductase core subunit S2; plus strand). Cytogenetic location: 1q23.3.
Variant type: single nucleotide variant.
Coding change: c.337A>G on transcript NM_001377299.1 (MANE Select); coding-DNA position 337, A replaced by G.
Protein change: p.Ile113Val; replaces isoleucine 113 with valine.
Molecular consequence: missense variant. On other transcripts: non-coding transcript variant (1).
Genome position (GRCh38, 1-based): chr1:161,206,541, A>G. VCF-style: chr1-161206541-A-G. GRCh37 (hg19) VCF-style: chr1-161176331-A-G.
Other names: c.337A>G, p.Ile113Val (NM_001166159.2, NM_001377298.1, NM_001377300.1 and 3 more transcripts); short protein forms I113V.
Identifiers: ClinVar variation 293273 (VCV000293273.11), dbSNP rs754241926, ClinGen allele CA1208536.

ClinVar aggregate classification (germline): Conflicting classifications of pathogenicity. Review status: criteria provided, conflicting classifications (1 of 4 stars). 4 submissions from 4 submitters: Uncertain significance (3); Likely benign (1). Last evaluated 2024-09-20.

Conditions:
Mitochondrial complex I deficiency, nuclear type 1. Also called: NADH-COENZYME Q REDUCTASE DEFICIENCY; MITOCHONDRIAL NADH DEHYDROGENASE COMPONENT OF COMPLEX I, DEFICIENCY OF. Identifiers: MedGen C6022305, MONDO:0100224, OMIM 252010.
Mitochondrial complex I deficiency, nuclear type 6. Also called: Mitochondrial complex 1 deficiency, nuclear type 6. Identifiers: MedGen C4748759, MONDO:0032611, OMIM 618228.
Leber-like hereditary optic neuropathy, autosomal recessive 2. Also called: Leber hereditary optic neuropathy, autosomal recessive 2. Identifiers: MedGen C5882713, MONDO:0958197, OMIM 620569.

Allele frequency attached by ClinVar (database versions not stated): TOPMed 0.00005; gnomAD 0.00006; gnomAD exomes 0.00006 and 0.00011; ExAC 0.00012.

Submissions (4):

3billion
Classification: Likely benign for Mitochondrial complex I deficiency, nuclear type 6; Leber-like hereditary optic neuropathy, autosomal recessive 2. Last evaluated: 2024-09-20. Review status: criteria provided, single submitter. Criteria: ACMG Guidelines, 2015. Collection method: clinical testing. Allele origin: germline. Affected: no.
Comment: The homozygous variant was found in patients diagnosed with another variant in a different gene, with no symptoms related to the gene containing the homozygous variant.

Labcorp Genetics (formerly Invitae), Labcorp
Classification: Uncertain significance. Last evaluated: 2023-12-18. Review status: criteria provided, single submitter. Criteria: Invitae Variant Classification Sherloc (09022015). Collection method: clinical testing. Allele origin: germline.
Comment: This sequence change replaces isoleucine, which is neutral and non-polar, with valine, which is neutral and non-polar, at codon 113 of the NDUFS2 protein (p.Ile113Val). This variant is present in population databases (rs754241926, gnomAD 0.05%). This variant has not been reported in the literature in individuals affected with NDUFS2-related conditions. ClinVar contains an entry for this variant (Variation ID: 293273). Advanced modeling of protein sequence and biophysical properties (such as structural, functional, and spatial information, amino acid conservation, physicochemical variation, residue mobility, and thermodynamic stability) performed at Invitae indicates that this missense variant is not expected to disrupt NDUFS2 protein function with a negative predictive value of 80%. In summary, the available evidence is currently insufficient to determine the role of this variant in disease. Therefore, it has been classified as a Variant of Uncertain Significance.

Genome-Nilou Lab
Classification: Uncertain significance for Mitochondrial complex I deficiency, nuclear type 6. Last evaluated: 2023-04-11. Review status: criteria provided, single submitter. Criteria: ACMG Guidelines, 2015. Collection method: clinical testing. Allele origin: germline. Affected: no.

Illumina Laboratory Services, Illumina
Classification: Uncertain significance for Mitochondrial complex I deficiency, nuclear type 1. Last evaluated: 2018-01-12. Review status: criteria provided, single submitter. Criteria: ICSL Variant Classification Criteria 13 December 2019. Collection method: clinical testing. Allele origin: germline.